The following is an entry in ClinVar:

NM_002473.6(MYH9):c.1345G>A (p.Gly449Arg)

Gene: MYH9 (myosin heavy chain 9; minus strand). Cytogenetic location: 22q12.3.
Variant type: single nucleotide variant.
Coding change: c.1345G>A on transcript NM_002473.6 (MANE Select); coding-DNA position 1345, G replaced by A.
Protein change: p.Gly449Arg; replaces glycine 449 with arginine.
Molecular consequence: missense variant.
Genome position (GRCh38, 1-based): chr22:36,316,552, C>T on the plus strand (G>A on the coding strand, the complement: MYH9 is on the minus strand). VCF-style: chr22-36316552-C-T. GRCh37 (hg19) VCF-style: chr22-36712597-C-T.
Other names: short protein forms G449R.
Identifiers: ClinVar variation 2412835 (VCV002412835.3), dbSNP rs2517989481, ClinGen allele CA411402006.
Genomic context (GRCh38, chr22:36,316,552, plus strand): 5'-GTGGGTAATGAAGGGCAAGGCTCACATCAAAGATCTCGAAGCCGGCAATGTCCAGGATCC[C>T]GATGAAGGAGGCGCCCTGCCTCTTGGTCTTGTCCAGAGCCTTGTTGATGCGCAGCACCAG-3'
Protein context (NP_002464.1, residues 439-459): KTKRQGASFI[Gly449Arg]ILDIAGFEIF

ClinVar aggregate classification (germline): Uncertain significance (1 of 4 stars; one submission).

Allele frequency attached by ClinVar (database versions not stated): gnomAD exomes below 0.00001.
gnomAD v4.1: 2 of 1,614,046 alleles (0.00012%); highest among the groups gnomAD compares: Non-Finnish European, 0.00017%; no homozygotes.

Submission:

GeneDx
Classification: Uncertain significance. Last evaluated: 2022-07-26. Review status: criteria provided, single submitter. Criteria: GeneDx Variant Classification Process June 2021. Collection method: clinical testing. Allele origin: germline. Affected: yes.
Comment: Not observed at significant frequency in large population cohorts (gnomAD); In silico analysis supports that this missense variant has a deleterious effect on protein structure/function; Has not been previously published as pathogenic or benign to our knowledge